The following is an entry in ClinVar:

NM_033064.5(ATCAY):c.*758C>T

Gene: ATCAY (ATCAY kinesin light chain interacting caytaxin; plus strand). Cytogenetic location: 19p13.3.
Variant type: single nucleotide variant.
Coding change: c.*758C>T on transcript NM_033064.5 (MANE Select); 758 bases downstream of the stop codon, C replaced by T.
Molecular consequence: 3 prime UTR variant.
Genome position (GRCh38, 1-based): chr19:3,925,350, C>T. VCF-style: chr19-3925350-C-T. GRCh37 (hg19) VCF-style: chr19-3925348-C-T.
Identifiers: ClinVar variation 892926 (VCV000892926.4), dbSNP rs116954582, ClinGen allele CA304405221.
Genomic context (GRCh38, chr19:3,925,350, plus strand): 5'-TAGAACATTCTCAAGCCCCTTTAACTCAGATGTCAAGCCACCGGGCAAACCCCGTCAATA[C>T]CTCCCACCAAGGAATGAGATATGTGGACCTCACTGCTCCCCCAACCCAGCGTCAGGCTGG-3'

ClinVar aggregate classification (germline): Likely benign (1 of 4 stars; one submission).

Conditions:
Cayman type cerebellar ataxia. Also called: Cayman ataxia. Identifiers: Orphanet 94122, MedGen C1832585, MONDO:0011025, OMIM 601238.

Allele frequency attached by ClinVar (database versions not stated): TOPMed 0.00048; 1000 Genomes Project 30x 0.00156; 1000 Genomes Project 0.00160.

Submission:

Illumina Laboratory Services, Illumina
Classification: Likely benign for Cayman type cerebellar ataxia. Last evaluated: 2018-01-12. Review status: criteria provided, single submitter. Criteria: ICSL Variant Classification Criteria 13 December 2019. Collection method: clinical testing. Allele origin: germline.
Comment: This variant was observed in the ICSL laboratory as part of a predisposition screen in an ostensibly healthy population. It had not been previously curated by ICSL or reported in the Human Gene Mutation Database (HGMD: prior to June 1st, 2018), and was therefore a candidate for classification through an automated scoring system. Utilizing variant allele frequency, disease prevalence and penetrance estimates, and inheritance mode, an automated score was calculated to assess if this variant is too frequent to cause the disease. Based on the score and internal cut-off values, a variant classified as likely benign is not then subjected to further curation. The score for this variant resulted in a classification of likely benign for this disease.